The following is an entry in ClinVar:

NM_001292034.3(TAB2):c.1306del (p.His436fs)

Genes: TAB2 (TGF-beta activated kinase 1 (MAP3K7) binding protein 2; plus strand), LOC126859827 (BRD4-independent group 4 enhancer GRCh37_chr6:149699707-149700906; plus strand). Cytogenetic location: 6q25.1.
Variant type: Deletion.
Coding change: c.1306del on transcript NM_001292034.3 (MANE Select); coding-DNA position 1306, one base deleted (C; older notation c.1306delC).
Protein change: p.His436fs; shifts the reading frame from histidine 436.
Molecular consequence: frameshift variant.
Genome position (GRCh38, 1-based): chr6:149,379,221, C deleted; the last of 2 consecutive C bases (chr6:149,379,220-149,379,221); deleting either gives the same sequence. VCF-style (leftmost placement, unchanged base first): chr6-149379219-AC-A. GRCh37 (hg19) VCF-style: chr6-149700355-AC-A.
Other names: c.1210del, p.His404fs (NM_001292035.3); c.1306del, p.His436fs (NM_001369506.1, NM_015093.6); short protein forms H404fs, H436fs.
Identifiers: ClinVar variation 3775817 (VCV003775817.1).

ClinVar aggregate classification (germline): Likely pathogenic (1 of 4 stars; one submission).

Conditions:
Congenital heart defects, multiple types, 2 (CHTD2). Also called: Congenital heart defects, nonsyndromic, 2. Identifiers: Orphanet 664401, MedGen C3554279, MONDO:0014000, OMIM 614980.

Submission:

3billion
Classification: Likely pathogenic for Congenital heart defects, multiple types, 2. Last evaluated: 2023-07-14. Review status: criteria provided, single submitter. Criteria: ACMG Guidelines, 2015. Collection method: clinical testing. Allele origin: germline. Affected: yes.
Comment: The variant is not observed in the gnomAD v2.1.1 dataset. Predicted Consequence/Location: Frameshift: predicted to result in a loss or disruption of normal protein function through nonsense-mediated decay (NMD) or protein truncation. Multiple pathogenic variants are reported downstream of the variant. Therefore, this variant is classified as Likely pathogenic according to the recommendation of ACMG/AMP guideline.